The following is an entry in ClinVar:

ClinVar aggregate classification (germline): Uncertain significance. Review status: criteria provided, multiple submitters, no conflicts (2 of 4 stars). 2 submissions from 2 submitters: Uncertain significance (2). Last evaluated 2024-11-23.

Conditions:
Pancreatic adenocarcinoma. Identifiers: MedGen C0281361, MONDO:0006047, HP:0006725.

Allele frequency attached by ClinVar (database versions not stated): gnomAD exomes 0.00001; gnomAD 0.00002 and 0.00003; TOPMed 0.00002.
gnomAD v4.1: 18 of 1,497,594 alleles (0.0012%); highest among the groups gnomAD compares: Non-Finnish European, 0.0015%; no homozygotes.

Submissions (2):

Ambry Genetics
Classification: Uncertain significance. Last evaluated: 2024-11-23. Review status: criteria provided, single submitter. Criteria: Ambry Variant Classification Scheme 2023. Collection method: clinical testing. Allele origin: germline.
Comment: The p.H38R variant (also known as c.113A>G), located in coding exon 1 of the PALLD gene, results from an A to G substitution at nucleotide position 113. The histidine at codon 38 is replaced by arginine, an amino acid with highly similar properties. This amino acid position is conserved. In addition, this alteration is predicted to be tolerated by in silico analysis. Based on the available evidence, the clinical significance of this variant remains unclear.

Labcorp Genetics (formerly Invitae), Labcorp
Classification: Uncertain significance for Pancreatic adenocarcinoma. Last evaluated: 2023-11-02. Review status: criteria provided, single submitter. Criteria: Invitae Variant Classification Sherloc (09022015). Collection method: clinical testing. Allele origin: germline.
Comment: This sequence change replaces histidine, which is basic and polar, with arginine, which is basic and polar, at codon 38 of the PALLD protein (p.His38Arg). This variant is present in population databases (no rsID available, gnomAD 0.003%). This variant has not been reported in the literature in individuals affected with PALLD-related conditions. ClinVar contains an entry for this variant (Variation ID: 953429). An algorithm developed to predict the effect of missense changes on protein structure and function (PolyPhen-2) suggests that this variant is likely to be tolerated. In summary, the available evidence is currently insufficient to determine the role of this variant in disease. Therefore, it has been classified as a Variant of Uncertain Significance.

NM_001166108.2(PALLD):c.1965-12918A>G

Gene: PALLD (palladin, cytoskeletal associated protein; plus strand). Cytogenetic location: 4q32.3.
Variant type: single nucleotide variant.
Coding change: c.1965-12918A>G on transcript NM_001166108.2 (MANE Select); 12918 bases into the intron before coding-DNA position 1965, A replaced by G.
Molecular consequence: intron variant. On other transcripts: missense variant (1).
Genome position (GRCh38, 1-based): chr4:168,878,004, A>G. VCF-style: chr4-168878004-A-G. GRCh37 (hg19) VCF-style: chr4-169799155-A-G.
Other names: c.113A>G, p.His38Arg (NM_001166110.2); c.1965-12918A>G (NM_016081.4); c.819-12918A>G (NM_001166109.2); c.-157-12918A>G (NM_001367570.1, NM_001367568.1, NM_001367567.1 and 1 more transcripts); short protein forms H38R.
Identifiers: ClinVar variation 953429 (VCV000953429.10), dbSNP rs888513189, ClinGen allele CA110515919.